The following is an entry in ClinVar:

NM_001171613.2(PREPL):c.75+5G>C

Gene: PREPL (prolyl endopeptidase like; minus strand). Cytogenetic location: 2p21.
Variant type: single nucleotide variant.
Coding change: c.75+5G>C on transcript NM_001171613.2 (MANE Select); 5 bases into the intron after coding-DNA position 75, G replaced by C.
Molecular consequence: intron variant.
Genome position (GRCh38, 1-based): chr2:44,346,263, C>G on the plus strand (G>C on the coding strand, the complement: PREPL is on the minus strand). VCF-style: chr2-44346263-C-G. GRCh37 (hg19) VCF-style: chr2-44573402-C-G.
Other names: c.75+5G>C (NM_001171617.1, NM_001374277.1); c.342+5G>C (NM_001171603.1, NM_001374275.1, NM_001374276.1 and 4 more transcripts).
Identifiers: ClinVar variation 1973513 (VCV001973513.5), dbSNP rs959339983, ClinGen allele CA46555468.

ClinVar aggregate classification (germline): Uncertain significance (1 of 4 stars; one submission).

Conditions:
Myasthenic syndrome, congenital, 22 (CMS22). Also called: PREPL DEFICIENCY. Identifiers: MedGen C4479088, MONDO:0044299, OMIM 616224.

Allele frequency attached by ClinVar (database versions not stated): gnomAD exomes below 0.00001; TOPMed below 0.00001; gnomAD 0.00001.
gnomAD v4.1: 2 of 1,606,164 alleles (0.00012%); highest among the groups gnomAD compares: African/African-American, 0.0027%; no homozygotes.

Submission:

Labcorp Genetics (formerly Invitae), Labcorp
Classification: Uncertain significance for Myasthenic syndrome, congenital, 22. Last evaluated: 2022-08-22. Review status: criteria provided, single submitter. Criteria: Invitae Variant Classification Sherloc (09022015). Collection method: clinical testing. Allele origin: germline.
Comment: This sequence change falls in intron 2 of the PREPL gene. It does not directly change the encoded amino acid sequence of the PREPL protein. It affects a nucleotide within the consensus splice site. In summary, the available evidence is currently insufficient to determine the role of this variant in disease. Therefore, it has been classified as a Variant of Uncertain Significance. Variants that disrupt the consensus splice site are a relatively common cause of aberrant splicing (PMID: 17576681, 9536098). Algorithms developed to predict the effect of sequence changes on RNA splicing suggest that this variant may disrupt the consensus splice site. This variant has not been reported in the literature in individuals affected with PREPL-related conditions. This variant is not present in population databases (gnomAD no frequency).

Literature cited by the submitters: PubMed 17576681; PubMed 9536098.